The following is an entry in ClinVar:

NM_006904.7(PRKDC):c.80C>T (p.Ala27Val)

Genes: PRKDC (protein kinase, DNA-activated, catalytic subunit; minus strand), LOC129929030 (ATAC-STARR-seq lymphoblastoid silent region 19177; plus strand). Cytogenetic location: 8q11.21.
Variant type: single nucleotide variant.
Coding change: c.80C>T on transcript NM_006904.7 (MANE Select); coding-DNA position 80, C replaced by T.
Protein change: p.Ala27Val; replaces alanine 27 with valine.
Molecular consequence: missense variant.
Genome position (GRCh38, 1-based): chr8:47,960,047, G>A on the plus strand (C>T on the coding strand, the complement: PRKDC is on the minus strand). VCF-style: chr8-47960047-G-A. GRCh37 (hg19) VCF-style: chr8-48872607-G-A.
Other names: c.80C>T, p.Ala27Val (NM_001081640.2); short protein forms A27V.
Identifiers: ClinVar variation 3425330 (VCV003425330.1).

ClinVar aggregate classification (germline): Uncertain significance (1 of 4 stars; one submission).

gnomAD v4.1: 2 of 1,533,294 alleles (0.00013%); highest among the groups gnomAD compares: South Asian, 0.0012%; no homozygotes.

Submission:

Ambry Genetics
Classification: Uncertain significance. Last evaluated: 2024-09-09. Review status: criteria provided, single submitter. Criteria: Ambry Variant Classification Scheme 2023. Collection method: clinical testing. Allele origin: germline.
Comment: The p.A27V variant (also known as c.80C>T), located in coding exon 1 of the PRKDC gene, results from a C to T substitution at nucleotide position 80. The alanine at codon 27 is replaced by valine, an amino acid with similar properties. This amino acid position is conserved. In addition, this alteration is predicted to be tolerated by in silico analysis. Based on the available evidence, the clinical significance of this variant remains unclear.